The following is an entry in ClinVar:

ClinVar aggregate classification (germline): Likely benign (1 of 4 stars; one submission).

Submission:

CeGaT Center for Human Genetics Tuebingen
Classification: Likely benign. Last evaluated: 2024-12-01. Review status: criteria provided, single submitter. Criteria: CeGaT Center For Human Genetics Tuebingen Variant Classification Criteria Version 2. Collection method: clinical testing. Allele origin: germline. Affected: yes. Observed: 1 variant allele.
Comment: ELOA3BP: PM2:Supporting, BP4, BP7

NM_001387690.1(KATNAL2):c.51+22471G>A

Gene: KATNAL2 (katanin catalytic subunit A1 like 2; plus strand). Cytogenetic location: 18q21.1.
Variant type: single nucleotide variant.
Coding change: c.51+22471G>A on transcript NM_001387690.1 (MANE Select); 22471 bases into the intron after coding-DNA position 51, G replaced by A.
Molecular consequence: intron variant.
Genome position (GRCh38, 1-based): chr18:46,969,394, G>A. VCF-style: chr18-46969394-G-A. GRCh37 (hg19) VCF-style: chr18-44549357-G-A.
Other names: c.-2+22471G>A (NM_001353904.1, NM_001353903.1, NM_001353907.1 and 3 more transcripts); c.129+22471G>A (NM_001353899.1, NM_001353900.1, NM_001353902.1); c.51+22471G>A (NM_001353901.1, NM_001367621.1); c.-295+22471G>A (NM_001353905.1); c.-95+22471G>A (NM_031303.3).
Identifiers: ClinVar variation 3771378 (VCV003771378.13).
Genomic context (GRCh38, chr18:46,969,394, plus strand): 5'-CACCTGGAGCTGGCAGGCAGGCCTGGAGCCCGAGTACACCGGCATCTTAGCGTTCACTCT[G>A]CGTCCAGGGAAAGCAGCTTCCTCCTGGAGCGTTGGCGCGGAGAGTGCTTCTGGGTTTGCC-3'